The following is an entry in ClinVar:

ClinVar aggregate classification (germline): Uncertain significance. Review status: criteria provided, multiple submitters, no conflicts (2 of 4 stars). 2 submissions from 2 submitters: Uncertain significance (2). Last evaluated 2025-11-22.

Conditions:
Arrhythmogenic right ventricular dysplasia 11. Also called: ARRHYTHMOGENIC RIGHT VENTRICULAR DYSPLASIA, FAMILIAL, 11; Arrhythmogenic Right Ventricular Dysplasia/Cardiomyopathy11; Arrhythmogenic right ventricular dysplasia 11 with mild palmoplantar keratoderma and woolly hair. Identifiers: MedGen C1864850, MONDO:0012506, OMIM 610476.
Cardiomyopathy (CMYO). Also called: Cardiomyopathies. Identifiers: Orphanet 167848, MedGen C0878544, MONDO:0004994, HP:0001638. Inheritance: Various modes of inheritance.

gnomAD v4.1: 1 of 1,614,040 alleles (0.000062%); highest among the groups gnomAD compares: African/African-American, 0.0013%; no homozygotes.

Submissions (2):

Labcorp Genetics (formerly Invitae), Labcorp
Classification: Uncertain significance for Arrhythmogenic right ventricular dysplasia 11. Last evaluated: 2025-11-22. Review status: criteria provided, single submitter. Criteria: Invitae Variant Classification Sherloc (09022015). Collection method: clinical testing. Allele origin: germline.
Comment: This sequence change replaces glycine, which is neutral and non-polar, with glutamic acid, which is acidic and polar, at codon 492 of the DSC2 protein (p.Gly492Glu). This variant is not present in population databases (gnomAD no frequency). This variant has not been reported in the literature in individuals affected with DSC2-related conditions. Invitae Evidence Modeling of protein sequence and biophysical properties (such as structural, functional, and spatial information, amino acid conservation, physicochemical variation, residue mobility, and thermodynamic stability) indicates that this missense variant is not expected to disrupt DSC2 protein function with a negative predictive value of 80%. In summary, the available evidence is currently insufficient to determine the role of this variant in disease. Therefore, it has been classified as a Variant of Uncertain Significance.

Color Diagnostics, LLC DBA Color Health
Classification: Uncertain significance for Cardiomyopathy. Last evaluated: 2025-09-05. Review status: criteria provided, single submitter. Criteria: ACMG Guidelines, 2015. Collection method: clinical testing. Allele origin: germline.
Comment: This missense variant replaces glycine with glutamic acid at codon 492 of the DSC2 protein. Computational prediction suggests that this variant may not impact protein structure and function. To our knowledge, functional studies have not been reported for this variant. This variant has not been reported in individuals affected with DSC2-related disorders in the literature. This variant has not been identified in the general population by the Genome Aggregation Database (gnomAD). The available evidence is insufficient to determine the role of this variant in disease conclusively. Therefore, this variant is classified as a Variant of Uncertain Significance.

NM_024422.6(DSC2):c.1475G>A (p.Gly492Glu)

Gene: DSC2 (desmocollin 2; minus strand). Cytogenetic location: 18q12.1.
Variant type: single nucleotide variant.
Coding change: c.1475G>A on transcript NM_024422.6 (MANE Select); coding-DNA position 1475, G replaced by A.
Protein change: p.Gly492Glu; replaces glycine 492 with glutamic acid.
Molecular consequence: missense variant.
Genome position (GRCh38, 1-based): chr18:31,080,141, C>T on the plus strand (G>A on the coding strand, the complement: DSC2 is on the minus strand). VCF-style: chr18-31080141-C-T. GRCh37 (hg19) VCF-style: chr18-28660107-C-T.
Other names: c.1046G>A, p.Gly349Glu (NM_001406506.1, NM_001406507.1); c.1475G>A, p.Gly492Glu (NM_004949.5); short protein forms G349E, G492E.
Identifiers: ClinVar variation 4757868 (VCV004757868.2).